The following is an entry in ClinVar:

ClinVar aggregate classification (germline): Uncertain significance (1 of 4 stars; one submission).

Conditions:
Hyperkalemic periodic paralysis. Also called: Familial hyperkalemic periodic paralysis; Gamstorp disease. Identifiers: Orphanet 682, MedGen C0238357, MONDO:0008224, OMIM 170500, HP:0007215.

Submission:

Labcorp Genetics (formerly Invitae), Labcorp
Classification: Uncertain significance for Hyperkalemic periodic paralysis. Last evaluated: 2025-10-09. Review status: criteria provided, single submitter. Criteria: Invitae Variant Classification Sherloc (09022015). Collection method: clinical testing. Allele origin: germline.
Comment: This variant, c.107_109del, results in the deletion of 1 amino acid(s) of the SCN4A protein (p.Glu36del), but otherwise preserves the integrity of the reading frame. This variant is present in population databases (no rsID available, gnomAD 0.009%). This variant has been observed in individual(s) with autosomal dominant hypokalemic periodic paralysis (PMID: 31068157). Experimental studies and prediction algorithms are not available or were not evaluated, and the functional significance of this variant is currently unknown. In summary, the available evidence is currently insufficient to determine the role of this variant in disease. Therefore, it has been classified as a Variant of Uncertain Significance.

Literature cited by the submitters: PubMed 31068157.

NM_000334.4(SCN4A):c.101AGG[2] (p.Glu36del)

Gene: SCN4A (sodium voltage-gated channel alpha subunit 4; minus strand). Cytogenetic location: 17q23.3.
Variant type: Microsatellite.
Coding change: c.101AGG[2] on transcript NM_000334.4 (MANE Select); two copies in a row of the 3-base unit AGG starting at c.101; the reference has three copies in a row; one copy, 3 bases deleted.
Protein change: p.Glu36del; deletes glutamic acid 36.
Molecular consequence: inframe deletion.
Genome position (GRCh38, 1-based): chr17:63,972,733-63,972,735, CCT deleted on the plus strand (AGG on the coding strand, the reverse complement: SCN4A is on the minus strand); deleting any 3 consecutive bases within chr17:63,972,733-63,972,743 gives the same sequence; the position shown is the placement nearest the transcript's 3' end. VCF-style (leftmost placement, unchanged base first): chr17-63972732-GCCT-G. GRCh37 (hg19) VCF-style: chr17-62050092-GCCT-G.
Other names: short protein forms E36del.
Identifiers: ClinVar variation 2888781 (VCV002888781.3), dbSNP rs865837934, ClinGen allele CA292972900.